The following is an entry in ClinVar:

NM_198271.5(LMOD3):c.1579C>A (p.Pro527Thr)

Gene: LMOD3 (leiomodin 3; minus strand). Cytogenetic location: 3p14.1.
Variant type: single nucleotide variant.
Coding change: c.1579C>A on transcript NM_198271.5 (MANE Select); coding-DNA position 1579, C replaced by A.
Protein change: p.Pro527Thr; replaces proline 527 with threonine.
Molecular consequence: missense variant.
Genome position (GRCh38, 1-based): chr3:69,118,776, G>T on the plus strand (C>A on the coding strand, the complement: LMOD3 is on the minus strand). VCF-style: chr3-69118776-G-T. GRCh37 (hg19) VCF-style: chr3-69167927-G-T.
Other names: c.1579C>A, p.Pro527Thr (NM_001304418.3); short protein forms P527T.
Identifiers: ClinVar variation 945267 (VCV000945267.4), dbSNP rs373480967, ClinGen allele CA76451526.

ClinVar aggregate classification (germline): Uncertain significance (1 of 4 stars; one submission).

Conditions:
Nemaline myopathy 10 (NEM10). Identifiers: MedGen C4015360, MONDO:0014513, OMIM 616165.

Allele frequency attached by ClinVar (database versions not stated): TOPMed 0.00001.
gnomAD v4.1: 29 of 1,611,950 alleles (0.0018%); highest among the groups gnomAD compares: East Asian, 0.065%; no homozygotes.

Submission:

Labcorp Genetics (formerly Invitae), Labcorp
Classification: Uncertain significance for Nemaline myopathy 10. Last evaluated: 2022-09-07. Review status: criteria provided, single submitter. Criteria: Invitae Variant Classification Sherloc (09022015). Collection method: clinical testing. Allele origin: germline.
Comment: This sequence change replaces proline, which is neutral and non-polar, with threonine, which is neutral and polar, at codon 527 of the LMOD3 protein (p.Pro527Thr). This variant is not present in population databases (gnomAD no frequency). This variant has not been reported in the literature in individuals affected with LMOD3-related conditions. ClinVar contains an entry for this variant (Variation ID: 945267). Algorithms developed to predict the effect of missense changes on protein structure and function (SIFT, PolyPhen-2, Align-GVGD) all suggest that this variant is likely to be disruptive. In summary, the available evidence is currently insufficient to determine the role of this variant in disease. Therefore, it has been classified as a Variant of Uncertain Significance.